The following is an entry in ClinVar:

ClinVar aggregate classification (germline): Likely benign. Review status: criteria provided, multiple submitters, no conflicts (2 of 4 stars). 3 submissions from 3 submitters: Likely benign (3). Last evaluated 2025-08-18.

Conditions:
Inborn genetic diseases. Identifiers: MedGen C0950123, MeSH D030342.

Submissions (3):

Labcorp Genetics (formerly Invitae), Labcorp
Classification: Likely benign. Last evaluated: 2025-08-18. Review status: criteria provided, single submitter. Criteria: Invitae Variant Classification Sherloc (09022015). Collection method: clinical testing. Allele origin: germline.

CeGaT Center for Human Genetics Tuebingen
Classification: Likely benign. Last evaluated: 2025-03-01. Review status: criteria provided, single submitter. Criteria: CeGaT Center For Human Genetics Tuebingen Variant Classification Criteria Version 2. Collection method: clinical testing. Allele origin: germline. Affected: yes. Observed: 1 variant allele.
Comment: MDH2: BP4, BP7

Ambry Genetics
Classification: Likely benign for Inborn genetic diseases. Last evaluated: 2022-02-13. Review status: criteria provided, single submitter. Criteria: Ambry Variant Classification Scheme 2023. Collection method: clinical testing. Allele origin: germline.

NM_005918.4(MDH2):c.243C>T (p.Leu81=)

Gene: MDH2 (malate dehydrogenase 2; plus strand). Cytogenetic location: 7q11.23.
Variant type: single nucleotide variant.
Coding change: c.243C>T on transcript NM_005918.4 (MANE Select); coding-DNA position 243, C replaced by T.
Protein change: p.Leu81=; no amino-acid change (leucine 81 retained).
Molecular consequence: synonymous variant. On other transcripts: 5 prime UTR variant (1).
Genome position (GRCh38, 1-based): chr7:76,057,417, C>T. VCF-style: chr7-76057417-C-T. GRCh37 (hg19) VCF-style: chr7-75686735-C-T.
Other names: c.243C>T, p.Leu81= (NM_001282403.2); c.-79C>T (NM_001282404.2).
Identifiers: ClinVar variation 1791290 (VCV001791290.12), dbSNP rs782030029, ClinGen allele CA4305470.
Genomic context (GRCh38, chr7:76,057,417, plus strand): 5'-GGCCTCTCTGAATCAGAAACGGTGACATTTCTCTTGTGGGGTGTTTGTTCTAGGCTACCT[C>T]GGACCTGAACAGCTGCCTGACTGCCTGAAAGGTTGTGATGTGGTAGTTATTCCGGCTGGA-3'
Protein context (NP_005909.2, residues 71-91): IETKAAVKGY[Leu81=]GPEQLPDCLK